The following is an entry in ClinVar:

ClinVar aggregate classification (germline): Likely pathogenic (1 of 4 stars; one submission).

Conditions:
Agenesis of the corpus callosum with peripheral neuropathy (ACCPN). Also called: POLYNEUROPATHY, SENSORIMOTOR, WITH OR WITHOUT AGENESIS OF THE CORPUS CALLOSUM; Hereditary Motor and Sensory Neuropathy with Agenesis of the Corpus Callosum; CHARLEVOIX DISEASE; HMSN/ACC. Identifiers: Orphanet 1496, MedGen C0795950, MONDO:0000902, OMIM 218000. Disease mechanism: loss of function.

Submission:

Juno Genomics, Hangzhou Juno Genomics, Inc
Classification: Likely pathogenic for Agenesis of the corpus callosum with peripheral neuropathy. Review status: criteria provided, single submitter. Criteria: ACMG Guidelines, 2015. Collection method: clinical testing. Allele origin: germline.
Comment: Absent from controls (or at extremely low frequency if recessive) in Genome Aggregation Database.;Null variant in a gene where loss of function (LOF) is a known mechanism of disease.

NM_001365088.1(SLC12A6):c.27del (p.Met10fs)

Gene: SLC12A6 (solute carrier family 12 member 6; minus strand). Cytogenetic location: 15q14.
Variant type: Deletion.
Coding change: c.27del on transcript NM_001365088.1 (MANE Select); coding-DNA position 27, one base deleted (G; older notation c.27delG).
Protein change: p.Met10fs; shifts the reading frame from methionine 10.
Molecular consequence: frameshift variant. On other transcripts: intron variant (2), 5 prime UTR variant (1).
Genome position (GRCh38, 1-based): chr15:34,336,654, C deleted on the plus strand (G on the coding strand, the reverse complement: SLC12A6 is on the minus strand). VCF-style (leftmost placement, unchanged base first): chr15-34336653-TC-T. GRCh37 (hg19) VCF-style: chr15-34628854-TC-T.
Other names: c.-98-53del (NM_001042495.2, NM_001042494.2); c.-1del (NM_001042496.2); c.27del, p.Met10fs (NM_001042497.2, NM_133647.2); short protein forms M10fs.
Identifiers: ClinVar variation 5019087 (VCV005019087.2).